The following is an entry in ClinVar:

NM_001273.5(CHD4):c.1486C>G (p.Pro496Ala)

Gene: CHD4 (chromodomain helicase DNA binding protein 4; minus strand). Cytogenetic location: 12p13.31.
Variant type: single nucleotide variant.
Coding change: c.1486C>G on transcript NM_001273.5 (MANE Select); coding-DNA position 1486, C replaced by G.
Protein change: p.Pro496Ala; replaces proline 496 with alanine.
Molecular consequence: missense variant.
Genome position (GRCh38, 1-based): chr12:6,598,422, G>C on the plus strand (C>G on the coding strand, the complement: CHD4 is on the minus strand). VCF-style: chr12-6598422-G-C. GRCh37 (hg19) VCF-style: chr12-6707588-G-C.
Other names: c.1465C>G, p.Pro489Ala (NM_001297553.2); c.1447C>G, p.Pro483Ala (NM_001363606.2); short protein forms P496A, P483A, P489A.
Identifiers: ClinVar variation 633563 (VCV000633563.2), dbSNP rs1226303367, ClinGen allele CA383599255.

ClinVar aggregate classification (germline): Uncertain significance. Review status: criteria provided, multiple submitters, no conflicts (2 of 4 stars). 2 submissions from 2 submitters: Uncertain significance (2). Last evaluated 2023-06-13.

Allele frequency attached by ClinVar (database versions not stated): TOPMed 0.00001 and below 0.00001; gnomAD 0.00001.
gnomAD v4.1: 1 of 1,589,834 alleles (0.000063%); highest among the groups gnomAD compares: Non-Finnish European, 0.000086%; no homozygotes.

Submissions (2):

Greenwood Genetic Center Diagnostic Laboratories, Greenwood Genetic Center
Classification: Uncertain significance. Last evaluated: 2023-06-13. Review status: criteria provided, single submitter. Criteria: ACMG Guidelines, 2015. Collection method: clinical testing. Allele origin: germline. Affected: yes.
Comment: PM2

Laboratory of Molecular Genetics (Pr. Bezieau's lab), CHU de Nantes
Classification: Uncertain significance. Last evaluated: 2018-12-26. Review status: criteria provided, single submitter. Criteria: ACMG Guidelines, 2015. Collection method: clinical testing. Allele origin: germline. Affected: yes.